The following is an entry in ClinVar:

ClinVar aggregate classification (germline): Uncertain significance. Review status: criteria provided, multiple submitters, no conflicts (2 of 4 stars). 3 submissions from 3 submitters: Uncertain significance (3). Last evaluated 2022-01-11.

Conditions:
Hyperprolinemia type 2 (HYRPRO2). Also called: 1-PYRROLINE-5-CARBOXYLATE DEHYDROGENASE DEFICIENCY; Deficiency of pyrroline-5-carboxylate reductase; Delta-1-pyrroline-5-carboxylate dehydrogenase deficiency. Identifiers: Orphanet 79101, MedGen C2931835, MONDO:0009401, OMIM 239510.

Allele frequency attached by ClinVar (database versions not stated): gnomAD exomes 0.00004 and 0.00006; gnomAD 0.00005 and 0.00006; TOPMed 0.00006; ExAC 0.00010.
gnomAD v4.1: 75 of 1,596,858 alleles (0.0047%); highest among the groups gnomAD compares: Middle Eastern, 0.051%; no homozygotes.

Submissions (3):

Labcorp Genetics (formerly Invitae), Labcorp
Classification: Uncertain significance for Hyperprolinemia type 2. Last evaluated: 2022-01-11. Review status: criteria provided, single submitter. Criteria: Invitae Variant Classification Sherloc (09022015). Collection method: clinical testing. Allele origin: germline.
Comment: This sequence change replaces tryptophan, which is neutral and slightly polar, with serine, which is neutral and polar, at codon 361 of the ALDH4A1 protein (p.Trp361Ser). This variant is present in population databases (rs763793413, gnomAD 0.03%). This variant has not been reported in the literature in individuals affected with ALDH4A1-related conditions. ClinVar contains an entry for this variant (Variation ID: 294380). Algorithms developed to predict the effect of missense changes on protein structure and function (SIFT, PolyPhen-2, Align-GVGD) all suggest that this variant is likely to be disruptive. In summary, the available evidence is currently insufficient to determine the role of this variant in disease. Therefore, it has been classified as a Variant of Uncertain Significance.

Fulgent Genetics
Classification: Uncertain significance for Hyperprolinemia type 2. Last evaluated: 2021-08-26. Review status: criteria provided, single submitter. Criteria: ACMG Guidelines, 2015. Collection method: clinical testing. Allele origin: unknown.

Illumina Laboratory Services, Illumina
Classification: Uncertain significance for Hyperprolinemia type 2. Last evaluated: 2018-01-13. Review status: criteria provided, single submitter. Criteria: ICSL Variant Classification Criteria 13 December 2019. Collection method: clinical testing. Allele origin: germline.

NM_003748.4(ALDH4A1):c.1082G>C (p.Trp361Ser)

Gene: ALDH4A1 (aldehyde dehydrogenase 4 family member A1; minus strand). Cytogenetic location: 1p36.13.
Variant type: single nucleotide variant.
Coding change: c.1082G>C on transcript NM_003748.4 (MANE Select); coding-DNA position 1082, G replaced by C.
Protein change: p.Trp361Ser; replaces tryptophan 361 with serine.
Molecular consequence: missense variant.
Genome position (GRCh38, 1-based): chr1:18,877,471, C>G on the plus strand (G>C on the coding strand, the complement: ALDH4A1 is on the minus strand). VCF-style: chr1-18877471-C-G. GRCh37 (hg19) VCF-style: chr1-19203965-C-G.
Other names: c.902G>C, p.Trp301Ser (NM_001161504.2); c.1082G>C, p.Trp361Ser (NM_001319218.2, NM_170726.3); short protein forms W361S, W301S.
Identifiers: ClinVar variation 294380 (VCV000294380.8), dbSNP rs763793413, ClinGen allele CA647081.